The following is an entry in ClinVar:

ClinVar aggregate classification (germline): Pathogenic (1 of 4 stars; one submission).

Submission:

Labcorp Genetics (formerly Invitae), Labcorp
Classification: Pathogenic. Last evaluated: 2023-11-05. Review status: criteria provided, single submitter. Criteria: Invitae Variant Classification Sherloc (09022015). Collection method: clinical testing. Allele origin: germline.
Comment: This variant is a gross deletion of the genomic region encompassing exon(s) 13-22 of the EYS gene. This deletion is out-of-frame, and is expected to create a premature termination codon and result in an absent or disrupted protein product. Loss-of-function variants in EYS are known to be pathogenic (PMID: 18836446, 20333770). A similar copy number variant has been observed in individual(s) with retinitis pigmentosa (PMID: 29159838). For these reasons, this variant has been classified as Pathogenic.

Literature cited by the submitters: PubMed 18836446; PubMed 20333770; PubMed 29159838.

NC_000006.11:g.(?_65523251)_(65767640_?)del

Gene: EYS (eyes shut homolog; minus strand). Cytogenetic location: 6q12.
Variant type: Deletion.
Identifiers: ClinVar variation 1429529 (VCV001429529.5).